The following is an entry in ClinVar:

NM_005751.5(AKAP9):c.11273G>A (p.Arg3758His)

Gene: AKAP9 (A-kinase anchoring protein 9; plus strand). Cytogenetic location: 7q21.2.
Variant type: single nucleotide variant.
Coding change: c.11273G>A on transcript NM_005751.5 (MANE Select); coding-DNA position 11273, G replaced by A.
Protein change: p.Arg3758His; replaces arginine 3758 with histidine.
Molecular consequence: missense variant.
Genome position (GRCh38, 1-based): chr7:92,102,769, G>A. VCF-style: chr7-92102769-G-A. GRCh37 (hg19) VCF-style: chr7-91732083-G-A.
Other names: c.5918G>A, p.Arg1973His (NM_001379277.1); c.11249G>A, p.Arg3750His (NM_147185.3); short protein forms R3758H, R3750H, R1973H.
Identifiers: ClinVar variation 191531 (VCV000191531.25), dbSNP rs141856443, ClinGen allele CA236915.

ClinVar aggregate classification (germline): Benign/Likely benign. Review status: criteria provided, multiple submitters, no conflicts (2 of 4 stars). 11 submissions from 11 submitters: Benign (4); Likely benign (5). 2 of the submissions do not count toward it. Last evaluated 2026-01-28.

Conditions:
Cardiovascular phenotype. Identifiers: MedGen CN230736.
Amyloidosis. Also called: Amyloid deposition. Identifiers: Orphanet 69, MedGen C0002726, MONDO:0019065, HP:0011034.
Primary dilated cardiomyopathy (DCM). Also called: Dilated Cardiomyopathy. Identifiers: Orphanet 217604, MedGen C0007193, MeSH D002311, MONDO:0005021, HP:0001644. Inheritance: Various modes of inheritance.
Long QT syndrome (LQTS). Identifiers: MedGen C0023976, MeSH D008133, MONDO:0002442. Disease mechanism: loss of function. Inheritance: Various modes of inheritance.
Long QT syndrome 11 (LQT11). Identifiers: Orphanet 101016, Orphanet 768, MedGen C2678483, MONDO:0012738, OMIM 611820.

Allele frequency attached by ClinVar (database versions not stated): TOPMed 0.00125; ExAC 0.00156; gnomAD 0.00156 and 0.00158; 1000 Genomes Project 0.00160; ESP Exome Variant Server 0.00161; gnomAD exomes 0.00170; 1000 Genomes Project 30x 0.00172.
gnomAD v4.1: 2,660 of 1,614,176 alleles (0.16%); highest among the groups gnomAD compares: Non-Finnish European, 0.18%; 8 homozygotes.

Submissions (11):

Labcorp Genetics (formerly Invitae), Labcorp
Classification: Benign for Long QT syndrome. Last evaluated: 2026-01-28. Review status: criteria provided, single submitter. Criteria: Invitae Variant Classification Sherloc (09022015). Collection method: clinical testing. Allele origin: germline.

Blueprint Genetics
Classification: Likely benign. Last evaluated: 2024-11-25. Review status: criteria provided, single submitter. Criteria: ACMG Guidelines, 2015. Collection method: clinical testing. Allele origin: germline.

Women's Health and Genetics/Laboratory Corporation of America, LabCorp
Classification: Likely benign. Last evaluated: 2023-12-10. Review status: criteria provided, single submitter. Criteria: LabCorp Variant Classification Summary - May 2015. Collection method: clinical testing. Allele origin: germline.

Genome-Nilou Lab
Classification: Benign for Long QT syndrome 11. Last evaluated: 2021-12-05. Review status: criteria provided, single submitter. Criteria: ACMG Guidelines, 2015. Collection method: clinical testing. Allele origin: germline. Affected: no.

Ambry Genetics
Classification: Likely benign for Cardiovascular phenotype. Last evaluated: 2019-02-03. Review status: criteria provided, single submitter. Criteria: Ambry Variant Classification Scheme 2023. Collection method: clinical testing. Allele origin: germline.

Center for Advanced Laboratory Medicine, UC San Diego Health, University of California San Diego
Classification: Benign for Dilated cardiomyopathy; Amyloidosis. Last evaluated: 2018-10-30. Review status: criteria provided, single submitter. Criteria: ACMG Guidelines, 2015. Collection method: clinical testing. Allele origin: germline. Affected: yes. Observed: 3 variant alleles.

GeneDx
Classification: Benign. Last evaluated: 2015-03-03. Review status: criteria provided, single submitter. Criteria: GeneDx Variant Classification Process June 2021. Collection method: clinical testing. Allele origin: germline. Affected: yes.

Biesecker Lab/Clinical Genomics Section, National Institutes of Health
Classification: Likely benign. Last evaluated: 2013-06-24. Review status: criteria provided, single submitter. Criteria: Ng et al. (Circ Cardiovasc Genet. 2013). Collection method: research. Allele origin: unknown. Observed: 4 variant alleles. Study: ClinSeq.
Comment: The study set was not selected for affection status in relation to any cancer. Pathogenicity categories were based on literature curation. See Pubmed ID:23861362 for details.

Medical sequencing

Breakthrough Genomics
Classification: Likely benign. Review status: criteria provided, single submitter. Criteria: ACMG Guidelines, 2015. Collection method: not provided. Allele origin: germline. Inheritance: Autosomal dominant inheritance. Affected: yes.

Clinical Genetics, Academic Medical Center
Classification: Benign. Review status: no assertion criteria provided. Collection method: clinical testing. Allele origin: germline. Affected: yes. Study: VKGL Data-share Consensus. Not counted in ClinVar's aggregate classification.

Joint Genome Diagnostic Labs from Nijmegen and Maastricht, Radboudumc and MUMC+
Classification: Benign. Review status: no assertion criteria provided. Collection method: clinical testing. Allele origin: germline. Affected: yes. Study: VKGL Data-share Consensus. Not counted in ClinVar's aggregate classification.